The following is an entry in ClinVar:

NM_002354.3(EPCAM):c.269A>G (p.Asn90Ser)

Gene: EPCAM (epithelial cell adhesion molecule; plus strand). Cytogenetic location: 2p21.
Variant type: single nucleotide variant.
Coding change: c.269A>G on transcript NM_002354.3 (MANE Select); coding-DNA position 269, A replaced by G.
Protein change: p.Asn90Ser; replaces asparagine 90 with serine.
Molecular consequence: missense variant.
Genome position (GRCh38, 1-based): chr2:47,373,892, A>G. VCF-style: chr2-47373892-A-G. GRCh37 (hg19) VCF-style: chr2-47601031-A-G.
Other names: short protein forms N90S.
Identifiers: ClinVar variation 136019 (VCV000136019.10), dbSNP rs587780764, ClinGen allele CA332767.

ClinVar aggregate classification (germline): Uncertain significance. Review status: criteria provided, multiple submitters, no conflicts (2 of 4 stars). 3 submissions from 3 submitters: Uncertain significance (3). Last evaluated 2024-03-06.

Conditions:
EPCAM-related disorder. Also called: EPCAM-related condition.
Hereditary cancer-predisposing syndrome. Also called: Tumor predisposition; Hereditary neoplastic syndrome; Neoplastic Syndromes, Hereditary; Hereditary Cancer Syndrome. Identifiers: Orphanet 140162, MedGen C0027672, MeSH D009386, MONDO:0015356.

Allele frequency attached by ClinVar (database versions not stated): ExAC 0.00002; TOPMed 0.00002; gnomAD 0.00003 and 0.00004; gnomAD exomes 0.00003.
gnomAD v4.1: 47 of 1,614,048 alleles (0.0029%); highest among the groups gnomAD compares: Non-Finnish European, 0.0039%; no homozygotes.

Submissions (3):

Ambry Genetics
Classification: Uncertain significance for Hereditary cancer-predisposing syndrome. Last evaluated: 2024-03-06. Review status: criteria provided, single submitter. Criteria: Ambry Variant Classification Scheme 2023. Collection method: clinical testing. Allele origin: germline.
Comment: The p.N90S variant (also known as c.269A>G), located in coding exon 3 of the EPCAM gene, results from an A to G substitution at nucleotide position 269. The asparagine at codon 90 is replaced by serine, an amino acid with highly similar properties. This amino acid position is conserved. In addition, this alteration is predicted to be tolerated by in silico analysis. Since supporting evidence is limited at this time, the clinical significance of this alteration remains unclear.

PreventionGenetics, part of Exact Sciences
Classification: Uncertain significance for EPCAM-related condition. Last evaluated: 2023-06-08. Review status: criteria provided, single submitter. Criteria: ACMG Guidelines, 2015. Collection method: clinical testing. Allele origin: germline.
Comment: The EPCAM c.269A>G variant is predicted to result in the amino acid substitution p.Asn90Ser. To our knowledge, this variant has not been reported in the literature. This variant is reported in 0.0046% of alleles in individuals of European (Non-Finnish) descent in gnomAD, and is listed in ClinVar as uncertain. At this time, the clinical significance of this variant is uncertain due to the absence of conclusive functional and genetic evidence.

Labcorp Genetics (formerly Invitae), Labcorp
Classification: Uncertain significance. Last evaluated: 2015-03-02. Review status: criteria provided, single submitter. Criteria: Invitae Variant Classification Sherloc (09022015). Collection method: clinical testing. Allele origin: germline.
Comment: In summary, this is a rare missense change that is not predicted to affect protein function or cause disease. However the evidence is insufficient at this time to prove that conclusively. Therefore, it has been classified as a Variant of Uncertain Significance. Algorithms developed to predict the effect of missense changes on protein structure and function (SIFT, PolyPhen-2, Align-GVGD) all suggest that this variant is likely to be tolerated, but these predictions have not been confirmed by published functional studies. This variant has not been published in the literature and is present in population databases (no rsID, <0.01%). This sequence change replaces asparagine with serine at codon 90 of the EPCAM protein (p.Asn90Ser). The asparagine residue is moderately conserved and there is a small physicochemical difference between asparagine and serine.